The following is an entry in ClinVar:

ClinVar aggregate classification (germline): Uncertain significance (1 of 4 stars; one submission).

Allele frequency attached by ClinVar (database versions not stated): gnomAD exomes below 0.00001; gnomAD 0.00002; TOPMed 0.00002.
gnomAD v4.1: 8 of 1,613,906 alleles (0.0005%); highest among the groups gnomAD compares: Non-Finnish European, 0.00059%; no homozygotes.

Submission:

Labcorp Genetics (formerly Invitae), Labcorp
Classification: Uncertain significance. Last evaluated: 2025-12-16. Review status: criteria provided, single submitter. Criteria: Invitae Variant Classification Sherloc (09022015). Collection method: clinical testing. Allele origin: germline.
Comment: The OPA1 gene has multiple clinically relevant transcripts. This variant occurs in alternate transcript NM_130837.2, and corresponds to NM_015560.2:c.625-5484A>T in the primary transcript. This sequence change replaces isoleucine, which is neutral and non-polar, with phenylalanine, which is neutral and non-polar, at codon 239 of the OPA1 protein (p.Ile239Phe). This variant is not present in population databases (gnomAD no frequency). This variant has not been reported in the literature in individuals affected with OPA1-related conditions. ClinVar contains an entry for this variant (Variation ID: 739643). Experimental studies and prediction algorithms are not available or were not evaluated, and the functional significance of this variant is currently unknown. Algorithms developed to predict the effect of sequence changes on RNA splicing suggest that this variant is not likely to affect RNA splicing. In summary, the available evidence is currently insufficient to determine the role of this variant in disease. Therefore, it has been classified as a Variant of Uncertain Significance.

NM_130837.3(OPA1):c.715A>T (p.Ile239Phe)

Genes: OPA1 (OPA1 mitochondrial dynamin like GTPase; plus strand), OPA1-AS1 (OPA1 antisense RNA 1; minus strand). Cytogenetic location: 3q29.
Variant type: single nucleotide variant.
Coding change: c.715A>T on transcript NM_130837.3 (MANE Select); coding-DNA position 715, A replaced by T.
Protein change: p.Ile239Phe; replaces isoleucine 239 with phenylalanine.
Molecular consequence: missense variant. On other transcripts: intron variant (5).
Genome position (GRCh38, 1-based): chr3:193,626,128, A>T. VCF-style: chr3-193626128-A-T. GRCh37 (hg19) VCF-style: chr3-193343917-A-T.
Other names: c.181A>T, p.Ile61Phe (NM_001354663.2); c.553A>T, p.Ile185Phe (NM_130833.3); c.607A>T, p.Ile203Phe (NM_130835.3); c.661A>T, p.Ile221Phe (NM_130836.3); c.253-5484A>T (NM_001354664.2); c.679-5484A>T (NM_130834.3); c.625-5484A>T (NM_015560.3); c.571-5484A>T (NM_130832.3); and 1 more; short protein forms I185F, I239F, I221F, I203F, I61F.
Identifiers: ClinVar variation 739643 (VCV000739643.7), dbSNP rs1407152640, ClinGen allele CA355788608.